The following is an entry in ClinVar:

NM_000384.3(APOB):c.11656C>T (p.Arg3886Cys)

Gene: APOB (apolipoprotein B; minus strand). Cytogenetic location: 2p24.1.
Variant type: single nucleotide variant.
Coding change: c.11656C>T on transcript NM_000384.3 (MANE Select); coding-DNA position 11656, C replaced by T.
Protein change: p.Arg3886Cys; replaces arginine 3886 with cysteine.
Molecular consequence: missense variant.
Genome position (GRCh38, 1-based): chr2:21,005,212, G>A on the plus strand (C>T on the coding strand, the complement: APOB is on the minus strand). VCF-style: chr2-21005212-G-A. GRCh37 (hg19) VCF-style: chr2-21228084-G-A.
Other names: short protein forms R3886C.
Identifiers: ClinVar variation 2926008 (VCV002926008.5), dbSNP rs764654025, ClinGen allele CA047070.

ClinVar aggregate classification (germline): Conflicting classifications of pathogenicity. Review status: criteria provided, conflicting classifications (1 of 4 stars). 3 submissions from 3 submitters: Uncertain significance (1); Likely benign (1). 1 of the submissions does not count toward it. Last evaluated 2025-05-25.

Conditions:
Familial hypobetalipoproteinemia 1. Also called: Hypobetalipoproteinemia, normotriglyceridemic; Acanthocytosis with hypobetalipoproteinemia; APOB-Related Familial Hypobetalipoproteinemia. Identifiers: MedGen C4551990, MONDO:0014252, OMIM 615558.
Hypercholesterolemia, autosomal dominant, type B (FHCL2). Also called: APOB-Related Familial Hypercholesterolemia, Autosomal Dominant; Familial Hypercholesterolemia Type B; APOLIPOPROTEIN B-100, FAMILIAL DEFECTIVE; APOLIPOPROTEIN B-100, FAMILIAL LIGAND-DEFECTIVE; HYPERCHOLESTEROLEMIA, FAMILIAL, DUE TO LIGAND-DEFECTIVE APOLIPOPROTEIN B; Hyperlipoproteinemia Type IIb. Identifiers: MedGen C1704417, MONDO:0007751, OMIM 144010.

Allele frequency attached by ClinVar (database versions not stated): gnomAD 0.00001; ExAC 0.00002; gnomAD exomes 0.00002 and 0.00003.
gnomAD v4.1: 47 of 1,613,926 alleles (0.0029%); highest among the groups gnomAD compares: African/African-American, 0.0053%; no homozygotes.

Submissions (3):

Labcorp Genetics (formerly Invitae), Labcorp
Classification: Likely benign for Familial hypobetalipoproteinemia 1; Hypercholesterolemia, autosomal dominant, type B. Last evaluated: 2025-05-25. Review status: criteria provided, single submitter. Criteria: Invitae Variant Classification Sherloc (09022015). Collection method: clinical testing. Allele origin: germline.

GeneDx
Classification: Uncertain significance. Last evaluated: 2024-12-11. Review status: criteria provided, single submitter. Criteria: GeneDx Variant Classification Process June 2021. Collection method: clinical testing. Allele origin: germline. Affected: yes.
Comment: Not observed at significant frequency in large population cohorts (gnomAD); In silico analysis supports that this missense variant has a deleterious effect on protein structure/function; Has not been previously published as pathogenic or benign to our knowledge

Amrita Institute of Medical Sciences and Research Centre, Amrita Vishwa Vidyapeetham
Classification: Likely benign for Familial hypobetalipoproteinemia 1. Last evaluated: 2023-05-02. Review status: no assertion criteria provided. Collection method: clinical testing. Allele origin: germline. Affected: yes. Not counted in ClinVar's aggregate classification.
Comment: Previously reported by SCV004572001